The following is an entry in ClinVar:

NM_000020.3(ACVRL1):c.1315A>T (p.Lys439Ter)

Gene: ACVRL1 (activin A receptor like type 1; plus strand). Cytogenetic location: 12q13.13.
Variant type: single nucleotide variant.
Coding change: c.1315A>T on transcript NM_000020.3 (MANE Select); coding-DNA position 1315, A replaced by T.
Protein change: p.Lys439Ter; replaces lysine 439 with a stop codon.
Molecular consequence: nonsense.
Genome position (GRCh38, 1-based): chr12:51,919,053, A>T. VCF-style: chr12-51919053-A-T. GRCh37 (hg19) VCF-style: chr12-52312837-A-T.
Other names: c.1315A>T, p.Lys439Ter (NM_001077401.2, NM_001406487.1, NM_001406488.1 and 1 more transcripts); c.1159A>T, p.Lys387Ter (NM_001406490.1); c.1003A>T, p.Lys335Ter (NM_001406491.1, NM_001406492.1, NM_001406493.1); c.805A>T, p.Lys269Ter (NM_001406494.1); c.751A>T, p.Lys251Ter (NM_001406495.1); short protein forms K269*, K335*, K387*, K439*, K251*.
Identifiers: ClinVar variation 2133957 (VCV002133957.4), dbSNP rs1940907688, ClinGen allele CA384904066.

ClinVar aggregate classification (germline): Pathogenic (1 of 4 stars; one submission).

Conditions:
Telangiectasia, hereditary hemorrhagic, type 2 (HHT2). Also called: Telangiectasia, hereditary hemorrhagic, type II; ACVRL1-Related Hereditary Hemorrhagic Telangiectasia. Identifiers: Orphanet 774, MedGen C1838163, MONDO:0010880, OMIM 600376. Disease mechanism: loss of function.

Allele frequency attached by ClinVar (database versions not stated): TOPMed below 0.00001.

Submission:

Labcorp Genetics (formerly Invitae), Labcorp
Classification: Pathogenic for Telangiectasia, hereditary hemorrhagic, type 2. Last evaluated: 2024-06-04. Review status: criteria provided, single submitter. Criteria: Invitae Variant Classification Sherloc (09022015). Collection method: clinical testing. Allele origin: germline.
Comment: This sequence change creates a premature translational stop signal (p.Lys439*) in the ACVRL1 gene. It is expected to result in an absent or disrupted protein product. Loss-of-function variants in ACVRL1 are known to be pathogenic (PMID: 15879500). This variant is not present in population databases (gnomAD no frequency). This variant has not been reported in the literature in individuals affected with ACVRL1-related conditions. ClinVar contains an entry for this variant (Variation ID: 2133957). For these reasons, this variant has been classified as Pathogenic.

Literature cited by the submitters: PubMed 15879500.